The following is an entry in ClinVar:

ClinVar aggregate classification (germline): Uncertain significance (1 of 4 stars; one submission).

gnomAD v4.1: 1 of 1,606,856 alleles (0.000062%); highest among the groups gnomAD compares: South Asian, 0.0011%; no homozygotes.

Submission:

Labcorp Genetics (formerly Invitae), Labcorp
Classification: Uncertain significance. Last evaluated: 2024-11-15. Review status: criteria provided, single submitter. Criteria: Invitae Variant Classification Sherloc (09022015). Collection method: clinical testing. Allele origin: germline.
Comment: This sequence change falls in intron 7 of the CLCN7 gene. It does not directly change the encoded amino acid sequence of the CLCN7 protein. It affects a nucleotide within the consensus splice site. This variant is not present in population databases (gnomAD no frequency). This variant has not been reported in the literature in individuals affected with CLCN7-related conditions. Variants that disrupt the consensus splice site are a relatively common cause of aberrant splicing (PMID: 17576681, 9536098). Algorithms developed to predict the effect of sequence changes on RNA splicing suggest that this variant is not likely to affect RNA splicing. In summary, the available evidence is currently insufficient to determine the role of this variant in disease. Therefore, it has been classified as a Variant of Uncertain Significance.

Literature cited by the submitters: PubMed 17576681; PubMed 9536098.

NM_001287.6(CLCN7):c.675+3G>A

Gene: CLCN7 (chloride voltage-gated channel 7; minus strand). Cytogenetic location: 16p13.3.
Variant type: single nucleotide variant.
Coding change: c.675+3G>A on transcript NM_001287.6 (MANE Select); 3 bases into the intron after coding-DNA position 675, G replaced by A.
Molecular consequence: intron variant.
Genome position (GRCh38, 1-based): chr16:1,459,104, C>T on the plus strand (G>A on the coding strand, the complement: CLCN7 is on the minus strand). VCF-style: chr16-1459104-C-T. GRCh37 (hg19) VCF-style: chr16-1509105-C-T.
Other names: c.603+3G>A (NM_001114331.3).
Identifiers: ClinVar variation 3725312 (VCV003725312.2).